The following is an entry in ClinVar:

ClinVar aggregate classification (germline): Uncertain significance (1 of 4 stars; one submission).

Allele frequency attached by ClinVar (database versions not stated): ExAC 0.00001; gnomAD 0.00001; TOPMed 0.00001.
gnomAD v4.1: 11 of 1,573,402 alleles (0.0007%); highest among the groups gnomAD compares: Non-Finnish European, 0.00096%; no homozygotes.

Submission:

Labcorp Genetics (formerly Invitae), Labcorp
Classification: Uncertain significance. Last evaluated: 2025-06-10. Review status: criteria provided, single submitter. Criteria: Invitae Variant Classification Sherloc (09022015). Collection method: clinical testing. Allele origin: germline.
Comment: This sequence change replaces isoleucine, which is neutral and non-polar, with serine, which is neutral and polar, at codon 49 of the POLE2 protein (p.Ile49Ser). This variant is present in population databases (rs766965914, gnomAD 0.005%). This variant has not been reported in the literature in individuals affected with POLE2-related conditions. ClinVar contains an entry for this variant (Variation ID: 2427944). An algorithm developed to predict the effect of missense changes on protein structure and function (PolyPhen-2) suggests that this variant is likely to be disruptive. In summary, the available evidence is currently insufficient to determine the role of this variant in disease. Therefore, it has been classified as a Variant of Uncertain Significance.

NM_002692.4(POLE2):c.146T>G (p.Ile49Ser)

Gene: POLE2 (DNA polymerase epsilon 2, accessory subunit; minus strand). Cytogenetic location: 14q21.3.
Variant type: single nucleotide variant.
Coding change: c.146T>G on transcript NM_002692.4 (MANE Select); coding-DNA position 146, T replaced by G.
Protein change: p.Ile49Ser; replaces isoleucine 49 with serine.
Molecular consequence: missense variant. On other transcripts: 5 prime UTR variant (1).
Genome position (GRCh38, 1-based): chr14:49,683,616, A>C on the plus strand (T>G on the coding strand, the complement: POLE2 is on the minus strand). VCF-style: chr14-49683616-A-C. GRCh37 (hg19) VCF-style: chr14-50150334-A-C.
Other names: c.146T>G, p.Ile49Ser (NM_001197330.2, NM_001197331.3, NM_001348384.2); c.-90T>G (NM_001348385.2); short protein forms I49S.
Identifiers: ClinVar variation 2427944 (VCV002427944.6), dbSNP rs766965914, ClinGen allele CA7173738.
Genomic context (GRCh38, chr14:49,683,616, plus strand): 5'-ATTAACAATTTAGGAGTTATCAGAAAATATTACTTACAGGGTTGCTTCTCAACTGCATTA[A>C]TTATCTTTTCCAGTTTATCTTCAAGCTCTAATTCACTGATAGACTGAAGAGCTTCTGTGA-3'
Protein context (NP_002683.2, residues 39-59): LELEDKLEKI[Ile49Ser]NAVEKQPLSS